The following is an entry in ClinVar:

ClinVar aggregate classification (germline): Likely pathogenic (1 of 4 stars; one submission).

Conditions:
Neurofibromatosis, type 1 (NF1). Also called: Neurofibromatosis, type I; VON RECKLINGHAUSEN DISEASE; NEUROFIBROMATOSIS, TYPE I, SOMATIC; Peripheral type neurofibromatosis. Identifiers: Orphanet 636, MedGen C0027831, MONDO:0018975, OMIM 162200. Disease mechanism: loss of function.

Submission:

Labcorp Genetics (formerly Invitae), Labcorp
Classification: Likely pathogenic for Neurofibromatosis, type 1. Last evaluated: 2022-06-22. Review status: criteria provided, single submitter. Criteria: Invitae Variant Classification Sherloc (09022015). Collection method: clinical testing. Allele origin: germline.
Comment: This variant is not present in population databases (gnomAD no frequency). This sequence change replaces lysine, which is basic and polar, with threonine, which is neutral and polar, at codon 2252 of the NF1 protein (p.Lys2252Thr). In summary, the currently available evidence indicates that the variant is pathogenic, but additional data are needed to prove that conclusively. Therefore, this variant has been classified as Likely Pathogenic. Algorithms developed to predict the effect of sequence changes on RNA splicing suggest that this variant may disrupt the consensus splice site. Algorithms developed to predict the effect of missense changes on protein structure and function are either unavailable or do not agree on the potential impact of this missense change (SIFT: "Deleterious"; PolyPhen-2: "Probably Damaging"; Align-GVGD: "Class C0"). This variant is also known as c. 6818A>C (p.Lys2273Thr). This missense change has been observed in individual(s) with neurofibromatosis, type 1 (PMID: 30290804; Invitae).

Literature cited by the submitters: PubMed 30290804.

NM_001042492.3(NF1):c.6818A>C (p.Lys2273Thr)

Gene: NF1 (neurofibromin 1; plus strand). Cytogenetic location: 17q11.2.
Variant type: single nucleotide variant.
Coding change: c.6818A>C on transcript NM_001042492.3 (MANE Select); coding-DNA position 6818, A replaced by C.
Protein change: p.Lys2273Thr; replaces lysine 2273 with threonine.
Molecular consequence: missense variant.
Genome position (GRCh38, 1-based): chr17:31,338,138, A>C. VCF-style: chr17-31338138-A-C. GRCh37 (hg19) VCF-style: chr17-29665156-A-C.
Other names: c.6755A>C, p.Lys2252Thr (NM_000267.4); short protein forms K2252T, K2273T.
Identifiers: ClinVar variation 2152281 (VCV002152281.4), dbSNP rs1060500344, ClinGen allele CA399014222.